The following is an entry in ClinVar:

ClinVar aggregate classification (germline): Uncertain significance (1 of 4 stars; one submission).

Conditions:
Inborn genetic diseases. Identifiers: MedGen C0950123, MeSH D030342.

gnomAD v4.1: 2 of 1,572,994 alleles (0.00013%); highest among the groups gnomAD compares: Non-Finnish European, 0.000086%; no homozygotes.

Submission:

Ambry Genetics
Classification: Uncertain significance for Inborn genetic diseases. Last evaluated: 2025-10-09. Review status: criteria provided, single submitter. Criteria: Ambry Variant Classification Scheme 2023. Collection method: clinical testing. Allele origin: germline.
Comment: The p.E103D variant (also known as c.309G>C), located in coding exon 1 of the KDM1A gene, results from a G to C substitution at nucleotide position 309. The glutamic acid at codon 103 is replaced by aspartic acid, an amino acid with highly similar properties. This amino acid position is conserved. In addition, this alteration is predicted to be tolerated by in silico analysis. Based on the available evidence, the clinical significance of this variant remains unclear.

NM_001009999.3(KDM1A):c.309G>C (p.Glu103Asp)

Gene: KDM1A (lysine demethylase 1A; plus strand). Cytogenetic location: 1p36.12.
Variant type: single nucleotide variant.
Coding change: c.309G>C on transcript NM_001009999.3 (MANE Select); coding-DNA position 309, G replaced by C.
Protein change: p.Glu103Asp; replaces glutamic acid 103 with aspartic acid.
Molecular consequence: missense variant.
Genome position (GRCh38, 1-based): chr1:23,019,905, G>C. VCF-style: chr1-23019905-G-C. GRCh37 (hg19) VCF-style: chr1-23346398-G-C.
Other names: c.309G>C, p.Glu103Asp (NM_001363654.2, NM_001410762.1, NM_001410763.1 and 1 more transcripts); short protein forms E103D.
Identifiers: ClinVar variation 4622670 (VCV004622670.1).